The following is an entry in ClinVar:

ClinVar aggregate classification (germline): Likely benign (0 of 4 stars; one submission).

Conditions:
CUL9-related disorder. Also called: CUL9-related condition.

Allele frequency attached by ClinVar (database versions not stated): ExAC 0.00026; gnomAD 0.00069; ESP Exome Variant Server 0.00077; 1000 Genomes Project 0.00100; 1000 Genomes Project 30x 0.00109.
gnomAD v4.1: 231 of 1,613,744 alleles (0.014%); highest among the groups gnomAD compares: African/African-American, 0.26%; no homozygotes.

Submission:

PreventionGenetics, part of Exact Sciences
Classification: Likely benign for CUL9-related condition. Last evaluated: 2022-07-25. Review status: no assertion criteria provided. Collection method: clinical testing. Allele origin: germline.
Comment: This variant is classified as likely benign based on ACMG/AMP sequence variant interpretation guidelines (Richards et al. 2015 PMID: 25741868, with internal and published modifications).

NM_015089.4(CUL9):c.3752C>T (p.Thr1251Met)

Gene: CUL9 (cullin 9; plus strand). Cytogenetic location: 6p21.1.
Variant type: single nucleotide variant.
Coding change: c.3752C>T on transcript NM_015089.4 (MANE Select); coding-DNA position 3752, C replaced by T.
Protein change: p.Thr1251Met; replaces threonine 1251 with methionine.
Molecular consequence: missense variant.
Genome position (GRCh38, 1-based): chr6:43,202,820, C>T. VCF-style: chr6-43202820-C-T. GRCh37 (hg19) VCF-style: chr6-43170558-C-T.
Other names: short protein forms T1251M.
Identifiers: ClinVar variation 3048923 (VCV003048923.2), dbSNP rs146553892, ClinGen allele CA3817924.